The following is an entry in ClinVar:

NM_006070.6(TFG):c.729G>A (p.Met243Ile)

Gene: TFG (trafficking from ER to golgi regulator; plus strand). Cytogenetic location: 3q12.2.
Variant type: single nucleotide variant.
Coding change: c.729G>A on transcript NM_006070.6 (MANE Select); coding-DNA position 729, G replaced by A.
Protein change: p.Met243Ile; replaces methionine 243 with isoleucine.
Molecular consequence: missense variant.
Genome position (GRCh38, 1-based): chr3:100,744,840, G>A. VCF-style: chr3-100744840-G-A. GRCh37 (hg19) VCF-style: chr3-100463684-G-A.
Other names: c.729G>A, p.Met243Ile (NM_001195478.2, NM_001007565.2); c.717G>A, p.Met239Ile (NM_001195479.2); short protein forms M243I, M239I.
Identifiers: ClinVar variation 2938271 (VCV002938271.3), dbSNP rs765052576, ClinGen allele CA2517181.

ClinVar aggregate classification (germline): Uncertain significance (1 of 4 stars; one submission).

Conditions:
Hereditary motor and sensory neuropathy, Okinawa type (HMSNO). Also called: HEREDITARY MOTOR AND SENSORY NEUROPATHY, PROXIMAL TYPE. Identifiers: Orphanet 90117, MedGen C1858338, MONDO:0011468, OMIM 604484.
Hereditary spastic paraplegia 57. Also called: Spastic paraplegia 57, autosomal recessive. Identifiers: Orphanet 431329, MedGen C3714897, MONDO:0014295, OMIM 615658.

Allele frequency attached by ClinVar (database versions not stated): gnomAD exomes below 0.00001; ExAC 0.00001; gnomAD 0.00001.

Submission:

Labcorp Genetics (formerly Invitae), Labcorp
Classification: Uncertain significance for Hereditary motor and sensory neuropathy, Okinawa type; Hereditary spastic paraplegia 57. Last evaluated: 2022-12-11. Review status: criteria provided, single submitter. Criteria: Invitae Variant Classification Sherloc (09022015). Collection method: clinical testing. Allele origin: germline.
Comment: In summary, the available evidence is currently insufficient to determine the role of this variant in disease. Therefore, it has been classified as a Variant of Uncertain Significance. Advanced modeling of protein sequence and biophysical properties (such as structural, functional, and spatial information, amino acid conservation, physicochemical variation, residue mobility, and thermodynamic stability) performed at Invitae indicates that this missense variant is not expected to disrupt TFG protein function. This variant has not been reported in the literature in individuals affected with TFG-related conditions. The frequency data for this variant in the population databases is considered unreliable, as metrics indicate poor data quality at this position in the gnomAD database. This sequence change replaces methionine, which is neutral and non-polar, with isoleucine, which is neutral and non-polar, at codon 243 of the TFG protein (p.Met243Ile).